The following is an entry in ClinVar:

ClinVar aggregate classification (germline): Uncertain significance (1 of 4 stars; one submission).

Conditions:
BAP1-related tumor predisposition syndrome (TPDS1). Also called: Tumor susceptibility linked to germline BAP1 mutations; BAP1 tumor predisposition syndrome; COMMON Syndrome; TUMOR PREDISPOSITION SYNDROME 1. Identifiers: Orphanet 289539, MedGen C3280492, MONDO:0013692, OMIM 614327.

Submission:

Labcorp Genetics (formerly Invitae), Labcorp
Classification: Uncertain significance for BAP1-related tumor predisposition syndrome. Last evaluated: 2022-04-22. Review status: criteria provided, single submitter. Criteria: Invitae Variant Classification Sherloc (09022015). Collection method: clinical testing. Allele origin: germline.
Comment: This variant has not been reported in the literature in individuals affected with BAP1-related conditions. This variant is not present in population databases (gnomAD no frequency). This sequence change replaces alanine, which is neutral and non-polar, with aspartic acid, which is acidic and polar, at codon 502 of the BAP1 protein (p.Ala502Asp). Algorithms developed to predict the effect of missense changes on protein structure and function are either unavailable or do not agree on the potential impact of this missense change (SIFT: "Deleterious"; PolyPhen-2: "Probably Damaging"; Align-GVGD: "Class C0"). In summary, the available evidence is currently insufficient to determine the role of this variant in disease. Therefore, it has been classified as a Variant of Uncertain Significance.

NM_004656.4(BAP1):c.1505C>A (p.Ala502Asp)

Gene: BAP1 (BRCA1 associated deubiquitinase 1; minus strand). Cytogenetic location: 3p21.1.
Variant type: single nucleotide variant.
Coding change: c.1505C>A on transcript NM_004656.4 (MANE Select); coding-DNA position 1505, C replaced by A.
Protein change: p.Ala502Asp; replaces alanine 502 with aspartic acid.
Molecular consequence: missense variant.
Genome position (GRCh38, 1-based): chr3:52,403,640, G>T on the plus strand (C>A on the coding strand, the complement: BAP1 is on the minus strand). VCF-style: chr3-52403640-G-T. GRCh37 (hg19) VCF-style: chr3-52437656-G-T.
Other names: c.1451C>A, p.Ala484Asp (NM_001410772.1); short protein forms A502D, A484D.
Identifiers: ClinVar variation 2129133 (VCV002129133.4), dbSNP rs2153226683, ClinGen allele CA353100933.